The following is an entry in ClinVar:

NM_007315.4(STAT1):c.1276G>A (p.Val426Ile)

Gene: STAT1 (signal transducer and activator of transcription 1; minus strand). Cytogenetic location: 2q32.2.
Variant type: single nucleotide variant.
Coding change: c.1276G>A on transcript NM_007315.4 (MANE Select); coding-DNA position 1276, G replaced by A.
Protein change: p.Val426Ile; replaces valine 426 with isoleucine.
Molecular consequence: missense variant.
Genome position (GRCh38, 1-based): chr2:190,984,381, C>T on the plus strand (G>A on the coding strand, the complement: STAT1 is on the minus strand). VCF-style: chr2-190984381-C-T. GRCh37 (hg19) VCF-style: chr2-191849107-C-T.
Other names: c.1216G>A, p.Val406Ile (NM_001384880.1); c.1282G>A, p.Val428Ile (NM_001384881.1, NM_001384884.1); c.1270G>A, p.Val424Ile (NM_001384882.1); c.1177G>A, p.Val393Ile (NM_001384883.1); c.1117G>A, p.Val373Ile (NM_001384885.1); c.1276G>A, p.Val426Ile (NM_001384886.1, NM_001384889.1, NM_139266.3); c.1183G>A, p.Val395Ile (NM_001384887.1); c.1246G>A, p.Val416Ile (NM_001384888.1); and 2 more; short protein forms V373I, V393I, V395I, V396I, V406I, V416I, V424I, V426I.
Identifiers: ClinVar variation 1013684 (VCV001013684.13), dbSNP rs143182587, ClinGen allele CA2029966.

ClinVar aggregate classification (germline): Uncertain significance. Review status: criteria provided, multiple submitters, no conflicts (2 of 4 stars). 2 submissions from 2 submitters: Uncertain significance (2). Last evaluated 2025-11-10.

Conditions:
Autoimmune enteropathy and endocrinopathy - susceptibility to chronic infections syndrome. Also called: Immunodeficiency 31C; Immunodeficiency 31C, autosomal dominant. Identifiers: Orphanet 391487, MedGen C3279990, MONDO:0013599, OMIM 614162.
Mendelian susceptibility to mycobacterial diseases due to partial STAT1 deficiency. Also called: Immunodeficiency 31a; IMMUNODEFICIENCY 31A, MYCOBACTERIOSIS, AUTOSOMAL DOMINANT; STAT1 DEFICIENCY, AUTOSOMAL DOMINANT. Identifiers: Orphanet 319595, MedGen C4013950, MONDO:0013956, OMIM 614892.
Immunodeficiency 31B. Also called: STAT1 DEFICIENCY, AUTOSOMAL RECESSIVE; IMMUNODEFICIENCY 31B, MYCOBACTERIAL AND VIRAL INFECTIONS, AUTOSOMAL RECESSIVE. Identifiers: Orphanet 391311, MedGen C3151088, MONDO:0013427, OMIM 613796.

Allele frequency attached by ClinVar (database versions not stated): ExAC 0.00001; gnomAD 0.00001; ESP Exome Variant Server 0.00008; TOPMed 0.00001; gnomAD exomes below 0.00001.
gnomAD v4.1: 2 of 1,613,380 alleles (0.00012%); highest among the groups gnomAD compares: Non-Finnish European, 0.00017%; no homozygotes.

Submissions (2):

Labcorp Genetics (formerly Invitae), Labcorp
Classification: Uncertain significance for Mendelian susceptibility to mycobacterial diseases due to partial STAT1 deficiency; Immunodeficiency 31B; Autoimmune enteropathy and endocrinopathy - susceptibility to chronic infections syndrome. Last evaluated: 2025-11-10. Review status: criteria provided, single submitter. Criteria: Invitae Variant Classification Sherloc (09022015). Collection method: clinical testing. Allele origin: germline.
Comment: This sequence change replaces valine, which is neutral and non-polar, with isoleucine, which is neutral and non-polar, at codon 426 of the STAT1 protein (p.Val426Ile). This variant is present in population databases (rs143182587, gnomAD 0.0009%). This variant has not been reported in the literature in individuals affected with STAT1-related conditions. ClinVar contains an entry for this variant (Variation ID: 1013684). An algorithm developed to predict the effect of missense changes on protein structure and function (PolyPhen-2) suggests that this variant is likely to be disruptive. In summary, the available evidence is currently insufficient to determine the role of this variant in disease. Therefore, it has been classified as a Variant of Uncertain Significance.

GeneDx
Classification: Uncertain significance. Last evaluated: 2022-01-26. Review status: criteria provided, single submitter. Criteria: GeneDx Variant Classification Process June 2021. Collection method: clinical testing. Allele origin: germline. Affected: yes.
Comment: Not observed at significant frequency in large population cohorts (gnomAD); In silico analysis supports that this missense variant does not alter protein structure/function; Has not been previously published as pathogenic or benign to our knowledge